The following is an entry in ClinVar:

ClinVar aggregate classification (germline): Likely benign. Review status: criteria provided, multiple submitters, no conflicts (2 of 4 stars). 5 submissions from 5 submitters: Likely benign (5). Last evaluated 2024-12-01.

Conditions:
Inborn genetic diseases. Identifiers: MedGen C0950123, MeSH D030342.

Allele frequency attached by ClinVar (database versions not stated): ESP Exome Variant Server 0.00069; ExAC 0.00080.
gnomAD v4.1: 1,043 of 1,612,990 alleles (0.065%); highest among the groups gnomAD compares: Middle Eastern, 1.2%; 5 homozygotes.

Submissions (6):

CeGaT Center for Human Genetics Tuebingen
Classification: Likely benign. Last evaluated: 2024-12-01. Review status: criteria provided, single submitter. Criteria: CeGaT Center For Human Genetics Tuebingen Variant Classification Criteria Version 2. Collection method: clinical testing. Allele origin: germline. Affected: yes. Observed: 5 variant alleles.
Comment: TMEM94: BP4, BS2

Blueprint Genetics
Classification: Likely benign. Last evaluated: 2024-11-27. Review status: criteria provided, single submitter. Criteria: ACMG Guidelines, 2015. Collection method: clinical testing. Allele origin: germline.

Ambry Genetics
Classification: Likely benign for Inborn genetic diseases. Last evaluated: 2022-05-06. Review status: criteria provided, single submitter. Criteria: Ambry Variant Classification Scheme 2023. Collection method: clinical testing. Allele origin: germline.

Genetic Services Laboratory, University of Chicago
Classification: Likely benign. Last evaluated: 2021-03-01. Review status: criteria provided, single submitter. Criteria: ACMG Guidelines, 2015. Collection method: clinical testing. Allele origin: germline. Affected: no.

Breakthrough Genomics
Classification: Likely benign. Review status: criteria provided, single submitter. Criteria: ACMG Guidelines, 2015. Collection method: not provided. Allele origin: germline. Inheritance: Autosomal recessive inheritance. Affected: yes.

Dr. Peter K. Rogan Lab, Western University
No classification provided (evidence only). Condition: Gastric cancer. Review status: no classification provided. Collection method: in vitro. Allele origin: not applicable. Functional consequence: retained intron. Not counted in ClinVar's aggregate classification.

Literature cited by the submitters: PubMed 28518168 (cited by Ambry Genetics); PubMed 32461654 (cited by Ambry Genetics).

NM_014738.6(TMEM94):c.3625G>T (p.Val1209Phe)

Gene: TMEM94 (transmembrane protein 94; plus strand). Cytogenetic location: 17q25.1.
Variant type: single nucleotide variant.
Coding change: c.3625G>T on transcript NM_014738.6 (MANE Select); coding-DNA position 3625, G replaced by T.
Protein change: p.Val1209Phe; replaces valine 1209 with phenylalanine.
Molecular consequence: missense variant.
Genome position (GRCh38, 1-based): chr17:75,498,310, G>T. VCF-style: chr17-75498310-G-T. GRCh37 (hg19) VCF-style: chr17-73494391-G-T.
Other names: NC_000017.10:g.73494391G>T; c.3655G>T, p.Val1219Phe (NM_001321148.2); c.3637G>T, p.Val1213Phe (NM_001321149.2); c.3577G>T, p.Val1193Phe (NM_001351202.2); c.3652G>T, p.Val1218Phe (NM_001351203.2); c.3625G>T (NM_014738.4); short protein forms V1193F, V1209F, V1213F, V1218F, V1219F.
Identifiers: ClinVar variation 1336940 (VCV001336940.40), dbSNP rs148064514, ClinGen allele CA8762562.